The following is an entry in ClinVar:

ClinVar aggregate classification (germline): Uncertain significance. Review status: criteria provided, multiple submitters, no conflicts (2 of 4 stars). 2 submissions from 2 submitters: Uncertain significance (2). Last evaluated 2022-07-20.

Conditions:
Inborn genetic diseases. Identifiers: MedGen C0950123, MeSH D030342.

gnomAD v4.1: 1 of 1,614,002 alleles (0.000062%); no homozygotes.

Submissions (2):

Ambry Genetics
Classification: Uncertain significance for Inborn genetic diseases. Last evaluated: 2022-07-20. Review status: criteria provided, single submitter. Criteria: Ambry Variant Classification Scheme 2023. Collection method: clinical testing. Allele origin: germline.

Labcorp Genetics (formerly Invitae), Labcorp
Classification: Uncertain significance. Last evaluated: 2022-07-17. Review status: criteria provided, single submitter. Criteria: Invitae Variant Classification Sherloc (09022015). Collection method: clinical testing. Allele origin: germline.
Comment: This sequence change replaces arginine, which is basic and polar, with serine, which is neutral and polar, at codon 96 of the ADAMTS10 protein (p.Arg96Ser). This variant is not present in population databases (gnomAD no frequency). This variant has not been reported in the literature in individuals affected with ADAMTS10-related conditions. Algorithms developed to predict the effect of missense changes on protein structure and function (SIFT, PolyPhen-2, Align-GVGD) all suggest that this variant is likely to be tolerated. Algorithms developed to predict the effect of sequence changes on RNA splicing suggest that this variant may disrupt the consensus splice site. In summary, the available evidence is currently insufficient to determine the role of this variant in disease. Therefore, it has been classified as a Variant of Uncertain Significance.

NM_030957.4(ADAMTS10):c.286C>A (p.Arg96Ser)

Gene: ADAMTS10 (ADAM metallopeptidase with thrombospondin type 1 motif 10; minus strand). Cytogenetic location: 19p13.2.
Variant type: single nucleotide variant.
Coding change: c.286C>A on transcript NM_030957.4 (MANE Select); coding-DNA position 286, C replaced by A.
Protein change: p.Arg96Ser; replaces arginine 96 with serine.
Molecular consequence: missense variant.
Genome position (GRCh38, 1-based): chr19:8,605,161, G>T on the plus strand (C>A on the coding strand, the complement: ADAMTS10 is on the minus strand). VCF-style: chr19-8605161-G-T. GRCh37 (hg19) VCF-style: chr19-8670046-G-T.
Other names: short protein forms R96S.
Identifiers: ClinVar variation 2063402 (VCV002063402.2), dbSNP rs1414189778, ClinGen allele CA403757569.
Genomic context (GRCh38, chr19:8,605,161, plus strand): 5'-TCTGCCAGGCCAGGCCCTCCCGTGTCCAGTACTCCACGGAGACGTGCCCTGCCAGTAGAC[G>T]GGAGCTGCGGGTCAGGTTCAGCAGGAAGTGGGTGCTGGGCGAGGCCACTTTGTAGAAGAG-3'
Protein context (NP_112219.3, residues 86-106): HFLLNLTRSS[Arg96Ser]LLAGHVSVEY